The following is an entry in ClinVar:

ClinVar aggregate classification (germline): Pathogenic (1 of 4 stars; one submission).

Conditions:
Retinitis pigmentosa 12 (RP12). Also called: RP WITH OR WITHOUT PPRPE; RP WITH OR WITHOUT PRESERVED PARAARTERIOLE RETINAL PIGMENT EPITHELIUM; RETINITIS PIGMENTOSA WITH OR WITHOUT PARAARTERIOLAR PRESERVATION OF RETINAL PIGMENT EPITHELIUM. Identifiers: Orphanet 791, MedGen C1838647, MONDO:0010818, OMIM 600105.
Leber congenital amaurosis 8 (LCA8). Identifiers: Orphanet 65, MedGen C3151202, MONDO:0013453, OMIM 613835.

Submission:

Labcorp Genetics (formerly Invitae), Labcorp
Classification: Pathogenic for Leber congenital amaurosis 8; Retinitis pigmentosa 12. Last evaluated: 2023-08-11. Review status: criteria provided, single submitter. Criteria: Invitae Variant Classification Sherloc (09022015). Collection method: clinical testing. Allele origin: germline.
Comment: This sequence change creates a premature translational stop signal (p.Gln860Lysfs*22) in the CRB1 gene. It is expected to result in an absent or disrupted protein product. Loss-of-function variants in CRB1 are known to be pathogenic (PMID: 10508521, 22065545, 23379534, 25412400, 26957898, 28041643, 29391521). For these reasons, this variant has been classified as Pathogenic. This variant is present in population databases (no rsID available, gnomAD 0.1%). This variant has not been reported in the literature in individuals affected with CRB1-related conditions. ClinVar contains an entry for this variant (Variation ID: 957724).

Literature cited by the submitters: PubMed 10508521; PubMed 22065545; PubMed 23379534; PubMed 25412400; PubMed 26957898; PubMed 28041643; PubMed 29391521.

NM_201253.3(CRB1):c.2578del (p.Gln860fs)

Gene: CRB1 (crumbs cell polarity complex component 1; plus strand). Cytogenetic location: 1q31.3.
Variant type: Deletion.
Coding change: c.2578del on transcript NM_201253.3 (MANE Select); coding-DNA position 2578, one base deleted (C; older notation c.2578delC).
Protein change: p.Gln860fs; shifts the reading frame from glutamine 860.
Molecular consequence: frameshift variant. On other transcripts: non-coding transcript variant (2), intron variant (1).
Genome position (GRCh38, 1-based): chr1:197,427,903, C deleted; the last of 2 consecutive C bases (chr1:197,427,902-197,427,903); deleting either gives the same sequence. VCF-style (leftmost placement, unchanged base first): chr1-197427901-AC-A. GRCh37 (hg19) VCF-style: chr1-197397031-AC-A.
Other names: c.2242del, p.Gln748fs (NM_001193640.2); c.2371del, p.Gln791fs (NM_001257965.2); c.2128+5947del (NM_001257966.2); short protein forms Q791fs, Q860fs, Q748fs.
Identifiers: ClinVar variation 957724 (VCV000957724.7), dbSNP rs1558132353, ClinGen allele CA528535358.